The following is an entry in ClinVar:

ClinVar aggregate classification (germline): Pathogenic. Review status: criteria provided, multiple submitters, no conflicts (2 of 4 stars). 2 submissions from 2 submitters: Pathogenic (2). Last evaluated 2021-05-20.

Conditions:
Hereditary nonpolyposis colorectal neoplasms. Identifiers: MedGen C0009405, MeSH D003123.
Hereditary cancer-predisposing syndrome. Also called: Tumor predisposition; Neoplastic Syndromes, Hereditary; Hereditary Cancer Syndrome; Hereditary neoplastic syndrome. Identifiers: Orphanet 140162, MedGen C0027672, MeSH D009386, MONDO:0015356.

Submissions (2):

Ambry Genetics
Classification: Pathogenic for Hereditary cancer-predisposing syndrome. Last evaluated: 2021-05-20. Review status: criteria provided, single submitter. Criteria: Ambry Variant Classification Scheme 2023. Collection method: clinical testing. Allele origin: germline.
Comment: The c.1437_1446del10 pathogenic mutation, located in coding exon 4 of the MSH6 gene, results from a deletion of 10 nucleotides at nucleotide positions 1437 to 1446, causing a translational frameshift with a predicted alternate stop codon (p.V480Wfs*9). This alteration is expected to result in loss of function by premature protein truncation or nonsense-mediated mRNA decay. As such, this alteration is interpreted as a disease-causing mutation.

Labcorp Genetics (formerly Invitae), Labcorp
Classification: Pathogenic for Hereditary nonpolyposis colorectal neoplasms. Last evaluated: 2020-12-12. Review status: criteria provided, single submitter. Criteria: Invitae Variant Classification Sherloc (09022015). Collection method: clinical testing. Allele origin: germline.
Comment: For these reasons, this variant has been classified as Pathogenic. This variant has not been reported in the literature in individuals with MSH6-related conditions. This variant is not present in population databases (ExAC no frequency). This sequence change creates a premature translational stop signal (p.Val480Trpfs*9) in the MSH6 gene. It is expected to result in an absent or disrupted protein product. Loss-of-function variants in MSH6 are known to be pathogenic (PMID: 18269114, 24362816).

Literature cited by the submitters: PubMed 18269114 (cited by Labcorp Genetics (formerly Invitae), Labcorp); PubMed 24362816 (cited by Labcorp Genetics (formerly Invitae), Labcorp).

NM_000179.3(MSH6):c.1437_1446del (p.Val480fs)

Gene: MSH6 (mutS homolog 6; plus strand). Cytogenetic location: 2p16.3.
Variant type: Deletion.
Coding change: c.1437_1446del on transcript NM_000179.3 (MANE Select); coding-DNA positions 1437 to 1446, 10 bases deleted (AGTAGCACGA; older notation c.1437_1446delAGTAGCACGA).
Protein change: p.Val480fs; shifts the reading frame from valine 480.
Molecular consequence: frameshift variant.
Genome position (GRCh38, 1-based): chr2:47,799,420-47,799,429, AGTAGCACGA deleted; deleting any 10 consecutive bases within chr2:47,799,419-47,799,429 gives the same sequence; the c. name uses the placement nearest the transcript's 3' end. VCF-style (leftmost placement, unchanged base first): chr2-47799418-AAAGTAGCACG-A. GRCh37 (hg19) VCF-style: chr2-48026557-AAAGTAGCACG-A.
Other names: c.1047_1056del, p.Val350fs (NM_001281492.2); c.531_540del, p.Val178fs (NM_001281493.2, NM_001281494.2); short protein forms V178fs, V350fs, V480fs.
Identifiers: ClinVar variation 1453377 (VCV001453377.8), dbSNP rs2104343962, ClinGen allele CA891862599.